The following is an entry in ClinVar:

NM_000384.3(APOB):c.4473_4474del (p.Arg1491fs)

Gene: APOB (apolipoprotein B; minus strand). Cytogenetic location: 2p24.1.
Variant type: Microsatellite.
Coding change: c.4473_4474del on transcript NM_000384.3 (MANE Select); coding-DNA positions 4473 to 4474, 2 bases deleted (AG; older notation c.4473_4474delAG).
Protein change: p.Arg1491fs; shifts the reading frame from arginine 1491.
Molecular consequence: frameshift variant.
Genome position (GRCh38, 1-based): chr2:21,012,394-21,012,395, CT deleted on the plus strand (AG on the coding strand, the reverse complement: APOB is on the minus strand); deleting any 2 consecutive bases within chr2:21,012,394-21,012,397 gives the same sequence; the c. name uses the placement nearest the transcript's 3' end. VCF-style (leftmost placement, unchanged base first): chr2-21012393-ACT-A. GRCh37 (hg19) VCF-style: chr2-21235265-ACT-A.
Other names: short protein forms R1491fs.
Identifiers: ClinVar variation 4851852 (VCV004851852.1).

ClinVar aggregate classification (germline): Pathogenic (1 of 4 stars; one submission).

Submission:

Dasa
Classification: Pathogenic. Last evaluated: 2025-10-15. Review status: criteria provided, single submitter. Criteria: DASA Assertion Criteria. Collection method: clinical testing. Allele origin: germline.
Comment: NM_000384.3(APOB):c.4473_4474del (p.Arg1491Serfs*7) introduces a premature termination codon predicted to result in loss of normal protein function. Loss-of-function is an established mechanism of disease for this gene. This variant has been reported in individuals with related phenotype (PMID: 38710625). The variant is present at low frequency in population datasets. Based on the available data, this variant is classified as pathogenic.

Literature cited by the submitters: PubMed 38710625.